The following is an entry in ClinVar:

ClinVar aggregate classification (germline): Uncertain significance (1 of 4 stars; one submission).

Submission:

Labcorp Genetics (formerly Invitae), Labcorp
Classification: Uncertain significance. Last evaluated: 2022-05-30. Review status: criteria provided, single submitter. Criteria: Invitae Variant Classification Sherloc (09022015). Collection method: clinical testing. Allele origin: germline.
Comment: This sequence change replaces aspartic acid, which is acidic and polar, with glutamic acid, which is acidic and polar, at codon 1104 of the SAMD9L protein (p.Asp1104Glu). This variant is not present in population databases (gnomAD no frequency). This variant has not been reported in the literature in individuals affected with SAMD9L-related conditions. Algorithms developed to predict the effect of missense changes on protein structure and function output the following: SIFT: "Not Available"; PolyPhen-2: "Benign"; Align-GVGD: "Not Available". The glutamic acid amino acid residue is found in multiple mammalian species, which suggests that this missense change does not adversely affect protein function. In summary, the available evidence is currently insufficient to determine the role of this variant in disease. Therefore, it has been classified as a Variant of Uncertain Significance.

NM_152703.5(SAMD9L):c.3312C>A (p.Asp1104Glu)

Gene: SAMD9L (sterile alpha motif domain containing 9 like; minus strand). Cytogenetic location: 7q21.2.
Variant type: single nucleotide variant.
Coding change: c.3312C>A on transcript NM_152703.5 (MANE Select); coding-DNA position 3312, C replaced by A.
Protein change: p.Asp1104Glu; replaces aspartic acid 1104 with glutamic acid.
Molecular consequence: missense variant.
Genome position (GRCh38, 1-based): chr7:93,132,660, G>T on the plus strand (C>A on the coding strand, the complement: SAMD9L is on the minus strand). VCF-style: chr7-93132660-G-T. GRCh37 (hg19) VCF-style: chr7-92761973-G-T.
Other names: c.3312C>A, p.Asp1104Glu (NM_001303496.3, NM_001303497.3, NM_001303498.3 and 5 more transcripts); short protein forms D1104E.
Identifiers: ClinVar variation 2001236 (VCV002001236.4), dbSNP rs2535413486, ClinGen allele CA368183534.
Genomic context (GRCh38, chr7:93,132,660, plus strand): 5'-ACCTAGTGTATCTGAAATATAGGAATTTTTAGGTGCTTTCATTTTGGCCTGACGTGCCCA[G>T]TCCAGAGCTGTGTTAAAGTCCTTCTCTTTAATGTAGAAATGTCTTGCTAAGGCTTGACAA-3'
Protein context (NP_689916.2, residues 1094-1114): IKEKDFNTAL[Asp1104Glu]WARQAKMKAP